The following is an entry in ClinVar:

NM_052845.4(MMAB):c.254C>T (p.Ala85Val)

Gene: MMAB (metabolism of cobalamin associated B; minus strand). Cytogenetic location: 12q24.11.
Variant type: single nucleotide variant.
Coding change: c.254C>T on transcript NM_052845.4 (MANE Select); coding-DNA position 254, C replaced by T.
Protein change: p.Ala85Val; replaces alanine 85 with valine.
Molecular consequence: missense variant. On other transcripts: non-coding transcript variant (1).
Genome position (GRCh38, 1-based): chr12:109,568,806, G>A on the plus strand (C>T on the coding strand, the complement: MMAB is on the minus strand). VCF-style: chr12-109568806-G-A. GRCh37 (hg19) VCF-style: chr12-110006611-G-A.
Other names: short protein forms A85V.
Identifiers: ClinVar variation 882711 (VCV000882711.5), dbSNP rs770743560, ClinGen allele CA6778999.
Genomic context (GRCh38, chr12:109,568,806, plus strand): 5'-CAAGGCCAATCCTGTCCCCCTTACCCAATAGCTGAACTTAATTCATCTGTAGTTCCCACG[G>A]CTTCAAACACTTGGTCATCTTTGGGTCTCCTTTCTCCTGTGAAGGTACTAGAAAACCCTG-3'
Protein context (NP_443077.1, residues 75-95): RRPKDDQVFE[Ala85Val]VGTTDELSSA

ClinVar aggregate classification (germline): Uncertain significance. Review status: criteria provided, multiple submitters, no conflicts (2 of 4 stars). 2 submissions from 2 submitters: Uncertain significance (2). Last evaluated 2022-06-21.

Conditions:
Methylmalonic aciduria, cblB type (MACB). Also called: Vitamin B12-responsive methylmalonic acidemia type cblB; Methylmalonic acidemia cblB type; METHYLMALONIC ACIDURIA, VITAMIN B12-RESPONSIVE, DUE TO DEFECT IN SYNTHESIS OF ADENOSYLCOBALAMIN, cblB TYPE. Identifiers: Orphanet 28, Orphanet 79311, MedGen C1855102, MONDO:0009614, OMIM 251110.

Allele frequency attached by ClinVar (database versions not stated): gnomAD exomes 0.00001; TOPMed 0.00001; ExAC 0.00002.
gnomAD v4.1: 12 of 1,614,092 alleles (0.00074%); highest among the groups gnomAD compares: Non-Finnish European, 0.000085%; no homozygotes.

Submissions (2):

Labcorp Genetics (formerly Invitae), Labcorp
Classification: Uncertain significance for Methylmalonic aciduria, cblB type. Last evaluated: 2022-06-21. Review status: criteria provided, single submitter. Criteria: Invitae Variant Classification Sherloc (09022015). Collection method: clinical testing. Allele origin: germline.
Comment: This sequence change replaces alanine, which is neutral and non-polar, with valine, which is neutral and non-polar, at codon 85 of the MMAB protein (p.Ala85Val). This variant is present in population databases (rs770743560, gnomAD 0.02%). This variant has not been reported in the literature in individuals affected with MMAB-related conditions. ClinVar contains an entry for this variant (Variation ID: 882711). Algorithms developed to predict the effect of missense changes on protein structure and function are either unavailable or do not agree on the potential impact of this missense change (SIFT: "Deleterious"; PolyPhen-2: "Possibly Damaging"; Align-GVGD: "Class C0"). In summary, the available evidence is currently insufficient to determine the role of this variant in disease. Therefore, it has been classified as a Variant of Uncertain Significance.

Illumina Laboratory Services, Illumina
Classification: Uncertain significance for Methylmalonic aciduria, cblB type. Last evaluated: 2018-01-15. Review status: criteria provided, single submitter. Criteria: ICSL Variant Classification Criteria 13 December 2019. Collection method: clinical testing. Allele origin: germline.